The following is an entry in ClinVar:

ClinVar aggregate classification (germline): Uncertain significance (1 of 4 stars; one submission).

Conditions:
Charcot-Marie-Tooth disease axonal type 2C (HMSN2C). Also called: CHARCOT-MARIE-TOOTH DISEASE, AXONAL, AUTOSOMAL DOMINANT, TYPE 2C; Charcot-Marie-Tooth Neuropathy Type 2C; Charcot-Marie-Tooth Disease Type 2, TRPV4-Related (CMT2C). Identifiers: Orphanet 99937, MedGen C1853710, MONDO:0011633, OMIM 606071.

Allele frequency attached by ClinVar (database versions not stated): gnomAD exomes below 0.00001.
gnomAD v4.1: 1 of 1,613,968 alleles (0.000062%); highest among the groups gnomAD compares: Non-Finnish European, 0.000085%; no homozygotes.

Submission:

Labcorp Genetics (formerly Invitae), Labcorp
Classification: Uncertain significance for Charcot-Marie-Tooth disease axonal type 2C. Last evaluated: 2021-08-24. Review status: criteria provided, single submitter. Criteria: Invitae Variant Classification Sherloc (09022015). Collection method: clinical testing. Allele origin: germline.
Comment: In summary, the available evidence is currently insufficient to determine the role of this variant in disease. Therefore, it has been classified as a Variant of Uncertain Significance. Advanced modeling of protein sequence and biophysical properties (such as structural, functional, and spatial information, amino acid conservation, physicochemical variation, residue mobility, and thermodynamic stability) performed at Invitae indicates that this missense variant is not expected to disrupt TRPV4 protein function. This variant has not been reported in the literature in individuals affected with TRPV4-related conditions. This variant is not present in population databases (ExAC no frequency). This sequence change replaces histidine with arginine at codon 731 of the TRPV4 protein (p.His731Arg). The histidine residue is moderately conserved and there is a small physicochemical difference between histidine and arginine.

NM_021625.5(TRPV4):c.2192A>G (p.His731Arg)

Gene: TRPV4 (transient receptor potential cation channel subfamily V member 4; minus strand). Cytogenetic location: 12q24.11.
Variant type: single nucleotide variant.
Coding change: c.2192A>G on transcript NM_021625.5 (MANE Select); coding-DNA position 2192, A replaced by G.
Protein change: p.His731Arg; replaces histidine 731 with arginine.
Molecular consequence: missense variant.
Genome position (GRCh38, 1-based): chr12:109,788,416, T>C on the plus strand (A>G on the coding strand, the complement: TRPV4 is on the minus strand). VCF-style: chr12-109788416-T-C. GRCh37 (hg19) VCF-style: chr12-110226221-T-C.
Other names: c.2051A>G, p.His684Arg (NM_001177428.2); c.2090A>G, p.His697Arg (NM_001177431.2); c.1871A>G, p.His624Arg (NM_001177433.2); c.2012A>G, p.His671Arg (NM_147204.3); short protein forms H624R, H671R, H684R, H731R, H697R.
Identifiers: ClinVar variation 1501600 (VCV001501600.6), dbSNP rs1463500359, ClinGen allele CA386649853.